The following is an entry in ClinVar:

NM_006767.4(LZTR1):c.1219G>A (p.Val407Met)

Gene: LZTR1 (leucine zipper like post translational regulator 1; plus strand). Cytogenetic location: 22q11.21.
Variant type: single nucleotide variant.
Coding change: c.1219G>A on transcript NM_006767.4 (MANE Select); coding-DNA position 1219, G replaced by A.
Protein change: p.Val407Met; replaces valine 407 with methionine.
Molecular consequence: missense variant.
Genome position (GRCh38, 1-based): chr22:20,992,863, G>A. VCF-style: chr22-20992863-G-A. GRCh37 (hg19) VCF-style: chr22-21347152-G-A.
Other names: short protein forms V407M.
Identifiers: ClinVar variation 1752439 (VCV001752439.2), dbSNP rs1237504479, ClinGen allele CA410773952.

ClinVar aggregate classification (germline): Uncertain significance (1 of 4 stars; one submission).

Conditions:
Cardiovascular phenotype. Identifiers: MedGen CN230736.
Hereditary cancer-predisposing syndrome. Also called: Hereditary Cancer Syndrome; Hereditary neoplastic syndrome; Neoplastic Syndromes, Hereditary; Tumor predisposition. Identifiers: Orphanet 140162, MedGen C0027672, MeSH D009386, MONDO:0015356.

Allele frequency attached by ClinVar (database versions not stated): gnomAD exomes below 0.00001.
gnomAD v4.1: 1 of 1,610,044 alleles (0.000062%); highest among the groups gnomAD compares: South Asian, 0.0011%; no homozygotes.

Submission:

Ambry Genetics
Classification: Uncertain significance for Cardiovascular phenotype; Hereditary cancer-predisposing syndrome. Last evaluated: 2021-09-15. Review status: criteria provided, single submitter. Criteria: Ambry Variant Classification Scheme 2023. Collection method: clinical testing. Allele origin: germline.
Comment: The p.V407M variant (also known as c.1219G>A), located in coding exon 11 of the LZTR1 gene, results from a G to A substitution at nucleotide position 1219. The valine at codon 407 is replaced by methionine, an amino acid with highly similar properties. This amino acid position is well conserved in available vertebrate species. In addition, this alteration is predicted to be tolerated by in silico analysis. Since supporting evidence is limited at this time, the clinical significance of this alteration remains unclear.